The following is an entry in ClinVar:

NM_004655.4(AXIN2):c.1382G>T (p.Ser461Ile)

Gene: AXIN2 (axin 2; minus strand). Cytogenetic location: 17q24.1.
Variant type: single nucleotide variant.
Coding change: c.1382G>T on transcript NM_004655.4 (MANE Select); coding-DNA position 1382, G replaced by T.
Protein change: p.Ser461Ile; replaces serine 461 with isoleucine.
Molecular consequence: missense variant.
Genome position (GRCh38, 1-based): chr17:65,537,654, C>A on the plus strand (G>T on the coding strand, the complement: AXIN2 is on the minus strand). VCF-style: chr17-65537654-C-A. GRCh37 (hg19) VCF-style: chr17-63533772-C-A.
Other names: c.1382G>T, p.Ser461Ile (NM_001363813.1); c.1382G>T (NM_004655.3); short protein forms S461I.
Identifiers: ClinVar variation 1017364 (VCV001017364.10), dbSNP rs1359477325, ClinGen allele CA400677609.

ClinVar aggregate classification (germline): Uncertain significance. Review status: criteria provided, multiple submitters, no conflicts (2 of 4 stars). 2 submissions from 2 submitters: Uncertain significance (2). Last evaluated 2024-11-19.

Conditions:
Hereditary cancer-predisposing syndrome. Also called: Tumor predisposition; Neoplastic Syndromes, Hereditary; Hereditary neoplastic syndrome; Hereditary Cancer Syndrome. Identifiers: Orphanet 140162, MedGen C0027672, MeSH D009386, MONDO:0015356.
Oligodontia-cancer predisposition syndrome. Also called: TOOTH AGENESIS-COLORECTAL CANCER SYNDROME. Identifiers: Orphanet 300576, MedGen C1837750, MONDO:0012075, OMIM 608615. Disease mechanism: loss of function.

Submissions (2):

Ambry Genetics
Classification: Uncertain significance for Hereditary cancer-predisposing syndrome. Last evaluated: 2024-11-19. Review status: criteria provided, single submitter. Criteria: Ambry Variant Classification Scheme 2023. Collection method: clinical testing. Allele origin: germline.

Labcorp Genetics (formerly Invitae), Labcorp
Classification: Uncertain significance for Oligodontia-cancer predisposition syndrome. Last evaluated: 2023-10-22. Review status: criteria provided, single submitter. Criteria: Invitae Variant Classification Sherloc (09022015). Collection method: clinical testing. Allele origin: germline.
Comment: This sequence change replaces serine, which is neutral and polar, with isoleucine, which is neutral and non-polar, at codon 461 of the AXIN2 protein (p.Ser461Ile). This variant is not present in population databases (gnomAD no frequency). This variant has not been reported in the literature in individuals affected with AXIN2-related conditions. ClinVar contains an entry for this variant (Variation ID: 1017364). An algorithm developed to predict the effect of missense changes on protein structure and function (PolyPhen-2) suggests that this variant is likely to be disruptive. In summary, the available evidence is currently insufficient to determine the role of this variant in disease. Therefore, it has been classified as a Variant of Uncertain Significance.